The following is an entry in ClinVar:

ClinVar aggregate classification (germline): Uncertain significance. Review status: criteria provided, multiple submitters, no conflicts (2 of 4 stars). 2 submissions from 2 submitters: Uncertain significance (2). Last evaluated 2025-03-10.

Conditions:
Inborn genetic diseases. Identifiers: MedGen C0950123, MeSH D030342.

Allele frequency attached by ClinVar (database versions not stated): gnomAD exomes below 0.00001; TOPMed 0.00002.
gnomAD v4.1: 8 of 1,614,138 alleles (0.0005%); highest among the groups gnomAD compares: East Asian, 0.0022%; no homozygotes.

Submissions (2):

Labcorp Genetics (formerly Invitae), Labcorp
Classification: Uncertain significance. Last evaluated: 2025-03-10. Review status: criteria provided, single submitter. Criteria: Invitae Variant Classification Sherloc (09022015). Collection method: clinical testing. Allele origin: germline.
Comment: This sequence change replaces arginine, which is basic and polar, with histidine, which is basic and polar, at codon 3571 of the TRRAP protein (p.Arg3571His). This variant is present in population databases (no rsID available, gnomAD 0.0009%). This variant has not been reported in the literature in individuals affected with TRRAP-related conditions. ClinVar contains an entry for this variant (Variation ID: 985666). Invitae Evidence Modeling of protein sequence and biophysical properties (such as structural, functional, and spatial information, amino acid conservation, physicochemical variation, residue mobility, and thermodynamic stability) indicates that this missense variant is not expected to disrupt TRRAP protein function with a negative predictive value of 80%. In summary, the available evidence is currently insufficient to determine the role of this variant in disease. Therefore, it has been classified as a Variant of Uncertain Significance.

Ambry Genetics
Classification: Uncertain significance for Inborn genetic diseases. Last evaluated: 2019-10-01. Review status: criteria provided, single submitter. Criteria: Ambry exome assertion method (8-5-2015). Collection method: clinical testing. Allele origin: germline. Affected: yes. Observed: 1 variant allele.

NM_001375524.1(TRRAP):c.10841G>A (p.Arg3614His)

Gene: TRRAP (transformation/transcription domain associated protein; plus strand). Cytogenetic location: 7q22.1.
Variant type: single nucleotide variant.
Coding change: c.10841G>A on transcript NM_001375524.1 (MANE Select); coding-DNA position 10841, G replaced by A.
Protein change: p.Arg3614His; replaces arginine 3614 with histidine.
Molecular consequence: missense variant.
Genome position (GRCh38, 1-based): chr7:99,008,464, G>A. VCF-style: chr7-99008464-G-A. GRCh37 (hg19) VCF-style: chr7-98606087-G-A.
Other names: c.10799G>A, p.Arg3600His (NM_001244580.2); c.10712G>A, p.Arg3571His (NM_003496.4); short protein forms R3571H, R3600H, R3614H.
Identifiers: ClinVar variation 985666 (VCV000985666.4), dbSNP rs1275095353, ClinGen allele CA368340190.